The following is an entry in ClinVar:

NM_001003841.3(SLC6A19):c.966C>T (p.Tyr322=)

Gene: SLC6A19 (solute carrier family 6 member 19; plus strand). Cytogenetic location: 5p15.33.
Variant type: single nucleotide variant.
Coding change: c.966C>T on transcript NM_001003841.3 (MANE Select); coding-DNA position 966, C replaced by T.
Protein change: p.Tyr322=; no amino-acid change (tyrosine 322 retained).
Molecular consequence: synonymous variant.
Genome position (GRCh38, 1-based): chr5:1,216,636, C>T. VCF-style: chr5-1216636-C-T. GRCh37 (hg19) VCF-style: chr5-1216751-C-T.
Other names: p.Tyr322=.
Identifiers: ClinVar variation 791252 (VCV000791252.14), dbSNP rs115133359, ClinGen allele CA3182968.

ClinVar aggregate classification (germline): Benign/Likely benign. Review status: criteria provided, multiple submitters, no conflicts (2 of 4 stars). 4 submissions from 4 submitters: Benign (3); Likely benign (1). Last evaluated 2026-01-28.

Conditions:
Neutral 1 amino acid transport defect (HND). Also called: HARTNUP DISORDER; Hartnup disease. Identifiers: Orphanet 2116, MedGen C0018609, MONDO:0009324, OMIM 234500.
Iminoglycinuria. Identifiers: Orphanet 42062, MedGen C0268654, MONDO:0009448, OMIM 242600.
Hyperglycinuria. Also called: GLYCINURIA WITH OR WITHOUT OXALATE NEPHROLITHIASIS; GLYCINURIA WITH OR WITHOUT OXALATE UROLITHIASIS; IMINOGLYCINURIA TYPE II. Identifiers: MedGen C0543541, MONDO:0007677, OMIM 138500, HP:0003108.

Allele frequency attached by ClinVar (database versions not stated): gnomAD exomes 0.00118 and 0.00326; ExAC 0.00434; gnomAD 0.01300 and 0.01389; ESP Exome Variant Server 0.01384; TOPMed 0.01431; 1000 Genomes Project 0.01617; 1000 Genomes Project 30x 0.01624.
gnomAD v4.1: 3,778 of 1,614,074 alleles (0.23%); highest among the groups gnomAD compares: African/African-American, 4.5%; 87 homozygotes.

Submissions (4):

Labcorp Genetics (formerly Invitae), Labcorp
Classification: Benign. Last evaluated: 2026-01-28. Review status: criteria provided, single submitter. Criteria: Invitae Variant Classification Sherloc (09022015). Collection method: clinical testing. Allele origin: germline.

Mayo Clinic Laboratories, Mayo Clinic
Classification: Benign. Last evaluated: 2023-11-06. Review status: criteria provided, single submitter. Criteria: ACMG Guidelines, 2015. Collection method: clinical testing. Allele origin: germline. Observed: 6 variant alleles.
Comment: BA1, BP4, BP7

Fulgent Genetics
Classification: Likely benign for Hyperglycinuria; Neutral 1 amino acid transport defect; Iminoglycinuria. Last evaluated: 2021-09-27. Review status: criteria provided, single submitter. Criteria: ACMG Guidelines, 2015. Collection method: clinical testing. Allele origin: unknown.

Breakthrough Genomics
Classification: Benign. Review status: criteria provided, single submitter. Criteria: ACMG Guidelines, 2015. Collection method: not provided. Allele origin: germline. Inheritance: Autosomal recessive inheritance. Affected: yes.